The following is an entry in ClinVar:

ClinVar aggregate classification (germline): Uncertain significance (1 of 4 stars; one submission).

Conditions:
Cardiovascular phenotype. Identifiers: MedGen CN230736.
Hereditary cancer-predisposing syndrome. Also called: Hereditary neoplastic syndrome; Neoplastic Syndromes, Hereditary; Tumor predisposition; Hereditary Cancer Syndrome. Identifiers: Orphanet 140162, MedGen C0027672, MeSH D009386, MONDO:0015356.

Submission:

Ambry Genetics
Classification: Uncertain significance for Cardiovascular phenotype; Hereditary cancer-predisposing syndrome. Last evaluated: 2025-07-01. Review status: criteria provided, single submitter. Criteria: Ambry Variant Classification Scheme 2023. Collection method: clinical testing. Allele origin: germline.
Comment: The p.L2118I variant (also known as c.6352C>A), located in coding exon 41 of the NF1 gene, results from a C to A substitution at nucleotide position 6352. The leucine at codon 2118 is replaced by isoleucine, an amino acid with highly similar properties. This amino acid position is conserved. In addition, the in silico prediction for this alteration is inconclusive. Based on the available evidence, the clinical significance of this variant remains unclear.

NM_001042492.3(NF1):c.6415C>A (p.Leu2139Ile)

Gene: NF1 (neurofibromin 1; plus strand). Cytogenetic location: 17q11.2.
Variant type: single nucleotide variant.
Coding change: c.6415C>A on transcript NM_001042492.3 (MANE Select); coding-DNA position 6415, C replaced by A.
Protein change: p.Leu2139Ile; replaces leucine 2139 with isoleucine.
Molecular consequence: missense variant.
Genome position (GRCh38, 1-based): chr17:31,336,902, C>A. VCF-style: chr17-31336902-C-A. GRCh37 (hg19) VCF-style: chr17-29663920-C-A.
Other names: c.6352C>A, p.Leu2118Ile (NM_000267.4); short protein forms L2139I, L2118I.
Identifiers: ClinVar variation 4119088 (VCV004119088.1).